The following is an entry in ClinVar:

ClinVar aggregate classification (germline): Uncertain significance (1 of 4 stars; one submission).

Submission:

Ambry Genetics
Classification: Uncertain significance. Last evaluated: 2025-06-27. Review status: criteria provided, single submitter. Criteria: Ambry Variant Classification Scheme 2023. Collection method: clinical testing. Allele origin: germline.
Comment: The p.T1206S variant (also known as c.3617C>G), located in coding exon 5 of the MLH3 gene, results from a C to G substitution at nucleotide position 3617. The threonine at codon 1206 is replaced by serine, an amino acid with similar properties. This amino acid position is conserved. In addition, the in silico prediction for this alteration is inconclusive. Based on the available evidence, the clinical significance of this variant remains unclear.

NM_001040108.2(MLH3):c.3617C>G (p.Thr1206Ser)

Gene: MLH3 (mutL homolog 3; minus strand). Cytogenetic location: 14q24.3.
Variant type: single nucleotide variant.
Coding change: c.3617C>G on transcript NM_001040108.2 (MANE Select); coding-DNA position 3617, C replaced by G.
Protein change: p.Thr1206Ser; replaces threonine 1206 with serine.
Molecular consequence: missense variant.
Genome position (GRCh38, 1-based): chr14:75,038,366, G>C on the plus strand (C>G on the coding strand, the complement: MLH3 is on the minus strand). VCF-style: chr14-75038366-G-C. GRCh37 (hg19) VCF-style: chr14-75505069-G-C.
Other names: c.3617C>G, p.Thr1206Ser (NM_014381.3); short protein forms T1206S.
Identifiers: ClinVar variation 4108626 (VCV004108626.1).
Genomic context (GRCh38, chr14:75,038,366, plus strand): 5'-CTGGTTAATCATTCAGGCTAAACTCCATTCTTACCTGCCTCGCCATTCTCTTCAGTCTTA[G>C]TGCTCATCAAACAGGCAATAAACTTGTTATCTACTTGCTGGAGAACCTGTCAGACATTCA-3'
Protein context (NP_001035197.1, residues 1196-1216): DNKFIACLMS[Thr1206Ser]KTEENGEAGG